The following is an entry in ClinVar:

NM_015041.3(CLUAP1):c.781G>C (p.Glu261Gln)

Gene: CLUAP1 (clusterin associated protein 1; plus strand). Cytogenetic location: 16p13.3.
Variant type: single nucleotide variant.
Coding change: c.781G>C on transcript NM_015041.3 (MANE Select); coding-DNA position 781, G replaced by C.
Protein change: p.Glu261Gln; replaces glutamic acid 261 with glutamine.
Molecular consequence: missense variant.
Genome position (GRCh38, 1-based): chr16:3,523,225, G>C. VCF-style: chr16-3523225-G-C. GRCh37 (hg19) VCF-style: chr16-3573225-G-C.
Other names: c.781G>C, p.Glu261Gln (NM_001330454.2); c.283G>C, p.Glu95Gln (NM_024793.3); short protein forms E261Q, E95Q.
Identifiers: ClinVar variation 3613957 (VCV003613957.2).

ClinVar aggregate classification (germline): Uncertain significance (1 of 4 stars; one submission).

Submission:

Labcorp Genetics (formerly Invitae), Labcorp
Classification: Uncertain significance. Last evaluated: 2024-04-25. Review status: criteria provided, single submitter. Criteria: Invitae Variant Classification Sherloc (09022015). Collection method: clinical testing. Allele origin: germline.
Comment: This sequence change replaces glutamic acid, which is acidic and polar, with glutamine, which is neutral and polar, at codon 261 of the CLUAP1 protein (p.Glu261Gln). This variant is not present in population databases (gnomAD no frequency). This variant has not been reported in the literature in individuals affected with CLUAP1-related conditions. Advanced modeling of protein sequence and biophysical properties (such as structural, functional, and spatial information, amino acid conservation, physicochemical variation, residue mobility, and thermodynamic stability) performed at Invitae indicates that this missense variant is not expected to disrupt CLUAP1 protein function with a negative predictive value of 80%. In summary, the available evidence is currently insufficient to determine the role of this variant in disease. Therefore, it has been classified as a Variant of Uncertain Significance.